The following is an entry in ClinVar:

NM_014795.4(ZEB2):c.3179G>C (p.Cys1060Ser)

Gene: ZEB2 (zinc finger E-box binding homeobox 2; minus strand). Cytogenetic location: 2q22.3.
Variant type: single nucleotide variant.
Coding change: c.3179G>C on transcript NM_014795.4 (MANE Select); coding-DNA position 3179, G replaced by C.
Protein change: p.Cys1060Ser; replaces cysteine 1060 with serine.
Molecular consequence: missense variant.
Genome position (GRCh38, 1-based): chr2:144,389,917, C>G on the plus strand (G>C on the coding strand, the complement: ZEB2 is on the minus strand). VCF-style: chr2-144389917-C-G. GRCh37 (hg19) VCF-style: chr2-145147484-C-G.
Other names: c.3107G>C, p.Cys1036Ser (NM_001171653.2); short protein forms C1036S, C1060S.
Identifiers: ClinVar variation 3648657 (VCV003648657.2).

ClinVar aggregate classification (germline): Pathogenic (1 of 4 stars; one submission).

Conditions:
Mowat-Wilson syndrome (MOWS). Also called: Classic Mowat-Wilson Syndrome. Identifiers: Orphanet 2152, MedGen C1856113, MONDO:0009341, OMIM 235730.

Submission:

Labcorp Genetics (formerly Invitae), Labcorp
Classification: Pathogenic for Mowat-Wilson syndrome. Last evaluated: 2024-05-23. Review status: criteria provided, single submitter. Criteria: Invitae Variant Classification Sherloc (09022015). Collection method: clinical testing. Allele origin: germline.
Comment: This sequence change replaces cysteine, which is neutral and slightly polar, with serine, which is neutral and polar, at codon 1060 of the ZEB2 protein (p.Cys1060Ser). This variant is not present in population databases (gnomAD no frequency). This missense change has been observed in individual(s) with clinical features of Mowat-Wilson syndrome (Invitae). In at least one individual the variant was observed to be de novo. Advanced modeling of protein sequence and biophysical properties (such as structural, functional, and spatial information, amino acid conservation, physicochemical variation, residue mobility, and thermodynamic stability) performed at Invitae indicates that this missense variant is expected to disrupt ZEB2 protein function with a positive predictive value of 80%. For these reasons, this variant has been classified as Pathogenic.